The following is an entry in ClinVar:

ClinVar aggregate classification (germline): Conflicting classifications of pathogenicity. Review status: criteria provided, conflicting classifications (1 of 4 stars). 4 submissions from 4 submitters: Uncertain significance (3); Benign (1). Last evaluated 2025-10-07.

Conditions:
Tuberous sclerosis 2 (TSC2). Identifiers: Orphanet 805, MedGen C1860707, MONDO:0013199, OMIM 613254.
Tuberous sclerosis syndrome (TSC). Also called: Tuberous Sclerosis Complex; Tuberous sclerosis. Identifiers: Orphanet 805, MedGen C0041341, MONDO:0001734.
Hereditary cancer-predisposing syndrome. Also called: Hereditary neoplastic syndrome; Tumor predisposition; Neoplastic Syndromes, Hereditary; Hereditary Cancer Syndrome. Identifiers: Orphanet 140162, MedGen C0027672, MeSH D009386, MONDO:0015356.

gnomAD v4.1: 2 of 1,611,752 alleles (0.00012%); highest among the groups gnomAD compares: Non-Finnish European, 0.00017%; no homozygotes.

Submissions (4):

Color Diagnostics, LLC DBA Color Health
Classification: Uncertain significance for Tuberous sclerosis syndrome. Last evaluated: 2025-10-07. Review status: criteria provided, single submitter. Criteria: ACMG Guidelines, 2015. Collection method: clinical testing. Allele origin: germline.
Comment: This missense variant replaces alanine with serine at codon 224 of the TSC2 protein. Computational prediction is inconclusive regarding the impact of this variant on protein structure and function. To our knowledge, functional studies have not been reported for this variant. This variant has not been reported in individuals affected with TSC2-related disorders in the literature. This variant has been identified in 2/1459398 chromosomes in the general population by the Genome Aggregation Database (gnomAD). The available evidence is insufficient to determine the role of this variant in disease conclusively. Therefore, this variant is classified as a Variant of Uncertain Significance.

Labcorp Genetics (formerly Invitae), Labcorp
Classification: Benign for Tuberous sclerosis 2. Last evaluated: 2025-06-04. Review status: criteria provided, single submitter. Criteria: Invitae Variant Classification Sherloc (09022015). Collection method: clinical testing. Allele origin: germline.

Women's Health and Genetics/Laboratory Corporation of America, LabCorp
Classification: Uncertain significance. Last evaluated: 2024-03-11. Review status: criteria provided, single submitter. Criteria: LabCorp Variant Classification Summary - May 2015. Collection method: clinical testing. Allele origin: germline.
Comment: Variant summary: TSC2 c.670G>T (p.Ala224Ser) results in a conservative amino acid change located in the Tuberin, N-terminal domain (IPR024584) of the encoded protein sequence. Four of five in-silico tools predict a damaging effect of the variant on protein function. The variant allele was found at a frequency of 4e-06 in 249660 control chromosomes (gnomAD). The available data on variant occurrences in the general population are insufficient to allow any conclusion about variant significance. To our knowledge, no occurrence of c.670G>T in individuals affected with Tuberous Sclerosis Complex and no experimental evidence demonstrating its impact on protein function have been reported. ClinVar contains an entry for this variant (Variation ID: 953929). Based on the evidence outlined above, the variant was classified as uncertain significance.

Ambry Genetics
Classification: Uncertain significance for Hereditary cancer-predisposing syndrome. Last evaluated: 2022-03-20. Review status: criteria provided, single submitter. Criteria: Ambry Variant Classification Scheme 2023. Collection method: clinical testing. Allele origin: germline.
Comment: The p.A224S variant (also known as c.670G>T), located in coding exon 7 of the TSC2 gene, results from a G to T substitution at nucleotide position 670. The alanine at codon 224 is replaced by serine, an amino acid with similar properties. This amino acid position is conserved. In addition, the in silico prediction for this alteration is inconclusive. Since supporting evidence is limited at this time, the clinical significance of this alteration remains unclear.

NM_000548.5(TSC2):c.670G>T (p.Ala224Ser)

Gene: TSC2 (TSC complex subunit 2; plus strand). Cytogenetic location: 16p13.3.
Variant type: single nucleotide variant.
Coding change: c.670G>T on transcript NM_000548.5 (MANE Select); coding-DNA position 670, G replaced by T.
Protein change: p.Ala224Ser; replaces alanine 224 with serine.
Molecular consequence: missense variant.
Genome position (GRCh38, 1-based): chr16:2,056,665, G>T. VCF-style: chr16-2056665-G-T. GRCh37 (hg19) VCF-style: chr16-2106666-G-T.
Other names: c.670G>T, p.Ala224Ser (NM_001077183.3, NM_001114382.3, NM_001363528.2 and 3 more transcripts); c.559G>T, p.Ala187Ser (NM_001318827.2); c.523G>T, p.Ala175Ser (NM_001318829.2); c.70G>T, p.Ala24Ser (NM_001318831.2); c.703G>T, p.Ala235Ser (NM_001318832.2); short protein forms A175S, A224S, A24S, A235S, A187S.
Identifiers: ClinVar variation 953929 (VCV000953929.14), dbSNP rs772558666, ClinGen allele CA394312453.